The following is an entry in ClinVar:

NM_000520.6(HEXA):c.488A>G (p.Asp163Gly)

Gene: HEXA (hexosaminidase subunit alpha; minus strand). Cytogenetic location: 15q23.
Variant type: single nucleotide variant.
Coding change: c.488A>G on transcript NM_000520.6 (MANE Select); coding-DNA position 488, A replaced by G.
Protein change: p.Asp163Gly; replaces aspartic acid 163 with glycine.
Molecular consequence: missense variant. On other transcripts: non-coding transcript variant (1).
Genome position (GRCh38, 1-based): chr15:72,353,150, T>C on the plus strand (A>G on the coding strand, the complement: HEXA is on the minus strand). VCF-style: chr15-72353150-T-C. GRCh37 (hg19) VCF-style: chr15-72645491-T-C.
Other names: c.521A>G, p.Asp174Gly (NM_001318825.2); short protein forms D163G, D174G.
Identifiers: ClinVar variation 4814261 (VCV004814261.1).

ClinVar aggregate classification (germline): Likely pathogenic (1 of 4 stars; one submission).

Conditions:
Tay-Sachs disease (TSD). Also called: HEXA DEFICIENCY; HEXA Disorders; GM2 gangliosidosis, type 1; Hexosaminidase alpha-subunit deficiency (variant B); Sphingolipidosis, Tay-Sachs; Hexosaminidase A Deficiency. Identifiers: Orphanet 845, MedGen C0039373, MONDO:0010100, OMIM 272800.

Submission:

Natera, Inc.
Classification: Likely pathogenic for Tay-Sachs disease. Last evaluated: 2024-04-25. Review status: criteria provided, single submitter. Criteria: Natera Variant Classification Schema (03/2026). Collection method: clinical testing. Allele origin: germline.
Comment: The c.488A>G variant in HEXA is a missense variant predicted to cause substitution of aspartic acid to glycine at amino acid 163. This variant is rare in the general population with a frequency below the threshold expected for the associated phenotype(s). This variant has been observed in one or more individuals affected with the associated recessive disease, as either homozygous or compound heterozygous with a second variant (PMID: 33811753). This variant has been identified in one or more affected individual with a phenotype highly consistent with the associated gene (PMID: 33811753). Computational prediction algorithms indicate this variant is likely to affect gene or protein function. Given the available evidence, this variant is classified as Likely Pathogenic.

Literature cited by the submitters: PubMed 33811753.